The following is an entry in ClinVar:

NM_005422.4(TECTA):c.4907T>C (p.Leu1636Ser)

Genes: TBCEL-TECTA (TBCEL-TECTA readthrough; plus strand), TECTA (tectorin alpha; plus strand). Cytogenetic location: 11q23.3.
Variant type: single nucleotide variant.
Coding change: c.4907T>C on transcript NM_005422.4 (MANE Select); coding-DNA position 4907, T replaced by C.
Protein change: p.Leu1636Ser; replaces leucine 1636 with serine.
Molecular consequence: missense variant.
Genome position (GRCh38, 1-based): chr11:121,160,352, T>C. VCF-style: chr11-121160352-T-C. GRCh37 (hg19) VCF-style: chr11-121031061-T-C.
Other names: c.5864T>C, p.Leu1955Ser (NM_001378761.1); short protein forms L1636S, L1955S.
Identifiers: ClinVar variation 1897792 (VCV001897792.5), dbSNP rs2135123261, ClinGen allele CA383029626.
Genomic context (GRCh38, chr11:121,160,352, plus strand): 5'-ACAAAGTGTGCGGTCTCTGTGGCAACTTCAACGGGGACCTAACAGATGATTATGTGACCT[T>C]GCGAGGGAAGCCGGTGGTAAGCAGCGTGGTGCTGGCCCAGAGCTGGAAAACCAATGGCAT-3'
Protein context (NP_005413.2, residues 1626-1646): NGDLTDDYVT[Leu1636Ser]RGKPVVSSVV

ClinVar aggregate classification (germline): Uncertain significance (1 of 4 stars; one submission).

Allele frequency attached by ClinVar (database versions not stated): gnomAD 0.00001.
gnomAD v4.1: 5 of 1,614,036 alleles (0.00031%); highest among the groups gnomAD compares: Middle Eastern, 0.049%; no homozygotes.

Submission:

Labcorp Genetics (formerly Invitae), Labcorp
Classification: Uncertain significance. Last evaluated: 2022-12-03. Review status: criteria provided, single submitter. Criteria: Invitae Variant Classification Sherloc (09022015). Collection method: clinical testing. Allele origin: germline.
Comment: In summary, the available evidence is currently insufficient to determine the role of this variant in disease. Therefore, it has been classified as a Variant of Uncertain Significance. Advanced modeling of protein sequence and biophysical properties (such as structural, functional, and spatial information, amino acid conservation, physicochemical variation, residue mobility, and thermodynamic stability) performed at Invitae indicates that this missense variant is not expected to disrupt TECTA protein function. This variant has not been reported in the literature in individuals affected with TECTA-related conditions. This variant is not present in population databases (gnomAD no frequency). This sequence change replaces leucine, which is neutral and non-polar, with serine, which is neutral and polar, at codon 1636 of the TECTA protein (p.Leu1636Ser).